The following is an entry in ClinVar:

NM_015909.4(NBAS):c.2790T>G (p.Ser930Arg)

Gene: NBAS (NBAS subunit of NRZ tethering complex; minus strand). Cytogenetic location: 2p24.3.
Variant type: single nucleotide variant.
Coding change: c.2790T>G on transcript NM_015909.4 (MANE Select); coding-DNA position 2790, T replaced by G.
Protein change: p.Ser930Arg; replaces serine 930 with arginine.
Molecular consequence: missense variant. On other transcripts: non-coding transcript variant (1).
Genome position (GRCh38, 1-based): chr2:15,415,693, A>C on the plus strand (T>G on the coding strand, the complement: NBAS is on the minus strand). VCF-style: chr2-15415693-A-C. GRCh37 (hg19) VCF-style: chr2-15555817-A-C.
Other names: short protein forms S930R.
Identifiers: ClinVar variation 2001111 (VCV002001111.4), dbSNP rs2529002490, ClinGen allele CA345885861.

ClinVar aggregate classification (germline): Uncertain significance (1 of 4 stars; one submission).

Submission:

Labcorp Genetics (formerly Invitae), Labcorp
Classification: Uncertain significance. Last evaluated: 2022-10-24. Review status: criteria provided, single submitter. Criteria: Invitae Variant Classification Sherloc (09022015). Collection method: clinical testing. Allele origin: germline.
Comment: This sequence change replaces serine, which is neutral and polar, with arginine, which is basic and polar, at codon 930 of the NBAS protein (p.Ser930Arg). This variant is not present in population databases (gnomAD no frequency). This variant has not been reported in the literature in individuals affected with NBAS-related conditions. Advanced modeling of protein sequence and biophysical properties (such as structural, functional, and spatial information, amino acid conservation, physicochemical variation, residue mobility, and thermodynamic stability) performed at Invitae indicates that this missense variant is not expected to disrupt NBAS protein function. In summary, the available evidence is currently insufficient to determine the role of this variant in disease. Therefore, it has been classified as a Variant of Uncertain Significance.